The following is an entry in ClinVar:

ClinVar aggregate classification (germline): Uncertain significance (1 of 4 stars; one submission).

gnomAD v4.1: 1 of 1,444,824 alleles (0.000069%); no homozygotes.

Submission:

CeGaT Center for Human Genetics Tuebingen
Classification: Uncertain significance. Last evaluated: 2026-06-01. Review status: criteria provided, single submitter. Criteria: CeGaT Center For Human Genetics Tuebingen Variant Classification Criteria Version 2. Collection method: clinical testing. Allele origin: germline. Affected: yes. Observed: 1 variant allele.
Comment: MED12L: PM2, BP4

NM_001393769.1(MED12L):c.6348G>T (p.Gln2116His)

Gene: MED12L (mediator complex subunit 12L; plus strand). Cytogenetic location: 3q25.1.
Variant type: single nucleotide variant.
Coding change: c.6348G>T on transcript NM_001393769.1 (MANE Select); coding-DNA position 6348, G replaced by T.
Protein change: p.Gln2116His; replaces glutamine 2116 with histidine.
Molecular consequence: missense variant.
Genome position (GRCh38, 1-based): chr3:151,416,362, G>T. VCF-style: chr3-151416362-G-T. GRCh37 (hg19) VCF-style: chr3-151134150-G-T.
Other names: c.6243G>T, p.Gln2081His (NM_053002.6); short protein forms Q2081H, Q2116H.
Identifiers: ClinVar variation 4875413 (VCV004875413.2).